The following is an entry in ClinVar:

ClinVar aggregate classification (germline): Benign (0 of 4 stars; one submission).

Conditions:
MUC16-related disorder. Also called: MUC16-related condition.

Allele frequency attached by ClinVar (database versions not stated): 1000 Genomes Project 0.22644; 1000 Genomes Project 30x 0.23204; TOPMed 0.29105; ExAC 0.29200; gnomAD 0.29415; ESP Exome Variant Server 0.30950; gnomAD exomes 0.31215.

Submission:

PreventionGenetics, part of Exact Sciences
Classification: Benign for MUC16-related condition. Last evaluated: 2019-10-18. Review status: no assertion criteria provided. Collection method: clinical testing. Allele origin: germline.
Comment: This variant is classified as benign based on ACMG/AMP sequence variant interpretation guidelines (Richards et al. 2015 PMID: 25741868, with internal and published modifications).

NM_001401501.2(MUC16):c.5812T>G (p.Tyr1938Asp)

Gene: MUC16 (mucin 16, cell surface associated; minus strand). Cytogenetic location: 19p13.2.
Variant type: single nucleotide variant.
Coding change: c.5812T>G on transcript NM_001401501.2 (MANE Select); coding-DNA position 5812, T replaced by G.
Protein change: p.Tyr1938Asp; replaces tyrosine 1938 with aspartic acid.
Molecular consequence: missense variant.
Genome position (GRCh38, 1-based): chr19:8,975,447, A>C on the plus strand (T>G on the coding strand, the complement: MUC16 is on the minus strand). VCF-style: chr19-8975447-A-C. GRCh37 (hg19) VCF-style: chr19-9086123-A-C.
Other names: c.6238T>G, p.Tyr2080Asp (NM_001414686.1); c.5692T>G, p.Tyr1898Asp (NM_001414687.1, NM_024690.2); short protein forms Y1898D, Y1938D, Y2080D.
Identifiers: ClinVar variation 3059750 (VCV003059750.2), dbSNP rs10402812, ClinGen allele CA9172581.